The following is an entry in ClinVar:

NM_000342.4(SLC4A1):c.1295G>C (p.Arg432Pro)

Gene: SLC4A1 (solute carrier family 4 member 1 (Diego blood group); minus strand). Cytogenetic location: 17q21.31.
Variant type: single nucleotide variant.
Coding change: c.1295G>C on transcript NM_000342.4 (MANE Select); coding-DNA position 1295, G replaced by C.
Protein change: p.Arg432Pro; replaces arginine 432 with proline.
Molecular consequence: missense variant.
Genome position (GRCh38, 1-based): chr17:44,257,795, C>G on the plus strand (G>C on the coding strand, the complement: SLC4A1 is on the minus strand). VCF-style: chr17-44257795-C-G. GRCh37 (hg19) VCF-style: chr17-42335163-C-G.
Other names: p.Arg432Pro; short protein forms R432P.
Identifiers: ClinVar variation 3702917 (VCV003702917.4).

ClinVar aggregate classification (germline): Uncertain significance. Review status: criteria provided, multiple submitters, no conflicts (2 of 4 stars). 3 submissions from 3 submitters: Uncertain significance (3). Last evaluated 2025-10-07.

Submissions (3):

Mayo Clinic Laboratories, Mayo Clinic
Classification: Uncertain significance. Last evaluated: 2025-10-07. Review status: criteria provided, single submitter. Criteria: ACMG Guidelines, 2015. Collection method: clinical testing. Allele origin: germline. Observed: 1 variant allele.
Comment: BP4, PM2_supporting

Labcorp Genetics (formerly Invitae), Labcorp
Classification: Uncertain significance. Last evaluated: 2024-10-29. Review status: criteria provided, single submitter. Criteria: Invitae Variant Classification Sherloc (09022015). Collection method: clinical testing. Allele origin: germline.
Comment: This sequence change replaces arginine, which is basic and polar, with proline, which is neutral and non-polar, at codon 432 of the SLC4A1 protein (p.Arg432Pro). This variant is not present in population databases (gnomAD no frequency). This variant has not been reported in the literature in individuals affected with SLC4A1-related conditions. Invitae Evidence Modeling of protein sequence and biophysical properties (such as structural, functional, and spatial information, amino acid conservation, physicochemical variation, residue mobility, and thermodynamic stability) indicates that this missense variant is not expected to disrupt SLC4A1 protein function with a negative predictive value of 80%. In summary, the available evidence is currently insufficient to determine the role of this variant in disease. Therefore, it has been classified as a Variant of Uncertain Significance.

Revvity Omics, Revvity
Classification: Uncertain significance. Last evaluated: 2024-04-10. Review status: criteria provided, single submitter. Criteria: ACMG Guidelines, 2015. Collection method: clinical testing. Allele origin: germline.